The following is an entry in ClinVar:

ClinVar aggregate classification (germline): Uncertain significance. Review status: criteria provided, multiple submitters, no conflicts (2 of 4 stars). 3 submissions from 3 submitters: Uncertain significance (3). Last evaluated 2025-06-08.

Conditions:
Epilepsy, idiopathic generalized, susceptibility to, 17 (EIG17). Identifiers: MedGen C5561931, MONDO:0100519, OMIM 602477.
Inborn genetic diseases. Identifiers: MedGen C0950123, MeSH D030342.

Allele frequency attached by ClinVar (database versions not stated): gnomAD 0.00001.
gnomAD v4.1: 1 of 1,021,750 alleles (0.000098%); highest among the groups gnomAD compares: Non-Finnish European, 0.00012%; no homozygotes.

Submissions (3):

Ambry Genetics
Classification: Uncertain significance for Inborn genetic diseases. Last evaluated: 2025-06-08. Review status: criteria provided, single submitter. Criteria: Ambry Variant Classification Scheme 2023. Collection method: clinical testing. Allele origin: germline.

CeGaT Center for Human Genetics Tuebingen
Classification: Uncertain significance. Last evaluated: 2022-09-01. Review status: criteria provided, single submitter. Criteria: CeGaT Center For Human Genetics Tuebingen Variant Classification Criteria Version 2. Collection method: clinical testing. Allele origin: germline. Affected: yes. Observed: 1 variant allele.
Comment: HCN2: PM5, PM2:Supporting, PP2, PP3

Institute of Human Genetics, University Hospital of Duesseldorf
Classification: Uncertain significance for Epilepsy, idiopathic generalized, susceptibility to, 17. Review status: criteria provided, single submitter. Criteria: ACMG Guidelines, 2015. Collection method: not provided. Allele origin: germline. Inheritance: Autosomal dominant inheritance. Affected: yes.

NM_001194.4(HCN2):c.377C>G (p.Ser126Trp)

Gene: HCN2 (hyperpolarization activated cyclic nucleotide gated potassium and sodium channel 2; plus strand). Cytogenetic location: 19p13.3.
Variant type: single nucleotide variant.
Coding change: c.377C>G on transcript NM_001194.4 (MANE Select); coding-DNA position 377, C replaced by G.
Protein change: p.Ser126Trp; replaces serine 126 with tryptophan.
Molecular consequence: missense variant.
Genome position (GRCh38, 1-based): chr19:590,322, C>G. VCF-style: chr19-590322-C-G. GRCh37 (hg19) VCF-style: chr19-590322-C-G.
Other names: c.377C>G (NM_001194.3); short protein forms S126W.
Identifiers: ClinVar variation 1711457 (VCV001711457.30), dbSNP rs1258293482, ClinGen allele CA402868877.